The following is an entry in ClinVar:

ClinVar aggregate classification (germline): Uncertain significance (1 of 4 stars; one submission).

Conditions:
Hereditary pancreatitis (PCTT). Also called: Hereditary chronic pancreatitis; PRSS1-Related Hereditary Pancreatitis. Identifiers: Orphanet 676, MedGen C0238339, MONDO:0008185, OMIM 167800.

Allele frequency attached by ClinVar (database versions not stated): gnomAD exomes below 0.00001.
gnomAD v4.1: 1 of 1,614,192 alleles (0.000062%); highest among the groups gnomAD compares: South Asian, 0.0011%; no homozygotes.

Submission:

Ambry Genetics
Classification: Uncertain significance for Hereditary pancreatitis. Last evaluated: 2021-12-15. Review status: criteria provided, single submitter. Criteria: Ambry Variant Classification Scheme 2023. Collection method: clinical testing. Allele origin: germline.
Comment: The p.I215T variant (also known as c.644T>C), located in coding exon 6 of the CPA1 gene, results from a T to C substitution at nucleotide position 644. The isoleucine at codon 215 is replaced by threonine, an amino acid with similar properties. This amino acid position is conserved. In addition, the in silico prediction for this alteration is inconclusive. Since supporting evidence is limited at this time, the clinical significance of this alteration remains unclear.

NM_001868.4(CPA1):c.644T>C (p.Ile215Thr)

Gene: CPA1 (carboxypeptidase A1; plus strand). Cytogenetic location: 7q32.2.
Variant type: single nucleotide variant.
Coding change: c.644T>C on transcript NM_001868.4 (MANE Select); coding-DNA position 644, T replaced by C.
Protein change: p.Ile215Thr; replaces isoleucine 215 with threonine.
Molecular consequence: missense variant.
Genome position (GRCh38, 1-based): chr7:130,383,742, T>C. VCF-style: chr7-130383742-T-C. GRCh37 (hg19) VCF-style: chr7-130023583-T-C.
Other names: short protein forms I215T.
Identifiers: ClinVar variation 1753601 (VCV001753601.2), dbSNP rs2536008834, ClinGen allele CA369282754.